The following is an entry in ClinVar:

NC_000005.9:g.(?_40964823)_(40972716_?)dup

Gene: C7 (complement C7; plus strand). Cytogenetic location: 5p13.1.
Variant type: Duplication.
Identifiers: ClinVar variation 3246449 (VCV003246449.1).

ClinVar aggregate classification (germline): Likely pathogenic (1 of 4 stars; one submission).

Submission:

Labcorp Genetics (formerly Invitae), Labcorp
Classification: Likely pathogenic. Last evaluated: 2023-04-09. Review status: criteria provided, single submitter. Criteria: Invitae Variant Classification Sherloc (09022015). Collection method: clinical testing. Allele origin: unknown.
Comment: In summary, the currently available evidence indicates that the variant is pathogenic, but additional data are needed to prove that conclusively. Therefore, this variant has been classified as Likely Pathogenic. This variant has not been reported in the literature in individuals affected with C7-related conditions. This variant results in a copy number gain of the genomic region encompassing exon(s) 14-15 of the C7 gene. While the exact position of this variant cannot be determined from the data, sub-genic copy number gains are generally in tandem (PMID: 25640679). This variant is predicted to be out-of-frame, and may result in an absent or disrupted protein product. Loss-of-function variants in C7 are known to be pathogenic (PMID: 9856499, 17407100).

Literature cited by the submitters: PubMed 25640679; PubMed 9856499; PubMed 17407100.